The following is an entry in ClinVar:

NM_001082.5(CYP4F2):c.1297G>A (p.Val433Met)

Gene: CYP4F2 (cytochrome P450 family 4 subfamily F member 2; minus strand). Cytogenetic location: 19p13.12.
Variant type: single nucleotide variant.
Coding change: c.1297G>A on transcript NM_001082.5 (MANE Select); coding-DNA position 1297, G replaced by A.
Protein change: p.Val433Met; replaces valine 433 with methionine.
Molecular consequence: missense variant.
Genome position (GRCh38, 1-based): chr19:15,879,621, C>T on the plus strand (G>A on the coding strand, the complement: CYP4F2 is on the minus strand). VCF-style: chr19-15879621-C-T. GRCh37 (hg19) VCF-style: chr19-15990431-C-T.
Other names: c.1297G>A (NM_001082.4); short protein forms V433M.
Identifiers: ClinVar variation 225969 (VCV000225969.12), dbSNP rs2108622, ClinGen allele CA9273684.

ClinVar aggregate classification (germline): drug response. Review status: reviewed by expert panel (3 of 4 stars). 4 submissions from 3 submitters: drug response (2). 2 of the submissions do not count toward it. Last evaluated 2021-03-24.

Conditions:
CYP4F2-related disorder. Also called: CYP4F2-related condition.
warfarin response - Dosage. Identifiers: MedGen CN322729.
acenocoumarol response - Dosage. Identifiers: MedGen CN322721.

Allele frequency attached by ClinVar (database versions not stated): gnomAD 0.22897 and 0.22058; ESP Exome Variant Server 0.22543; TOPMed 0.22615; 1000 Genomes Project 0.23682; gnomAD exomes 0.27314 and 0.29352; ExAC 0.27258; 1000 Genomes Project 30x 0.23173.
gnomAD v4.1: 464,023 of 1,613,898 alleles (29%); highest among the groups gnomAD compares: South Asian, 39%; 69,909 homozygotes.

Submissions (4):

ClinPGx
Classification: drug response for warfarin response - Dosage. Last evaluated: 2021-03-24. Review status: reviewed by expert panel. Criteria: Pharmacogenomics knowledge for personalized medicine. Collection method: curation. Allele origin: germline. Affected: yes.
Comment: PharmGKB Level of Evidence 1A: Level 1A clinical annotations describe variant-drug combinations that have variant-specific prescribing guidance available in a current clinical guideline annotation or an FDA-approved drug label annotation. Annotations of drug labels or clinical guidelines must give prescribing guidance for specific variants (e.g. CYP2C9*3, HLA-B*57:01) or provide mapping from defined allele functions to diplotypes and phenotypes to be used as supporting evidence for a level 1A clinical annotation. Level 1A clinical annotations must also be supported by at least one publication in addition to a clinical guideline or drug label with variant-specific prescribing guidance.

ClinPGx
Classification: drug response for acenocoumarol response - Dosage. Last evaluated: 2021-03-24. Review status: reviewed by expert panel. Criteria: Pharmacogenomics knowledge for personalized medicine. Collection method: curation. Allele origin: germline. Affected: yes.
Comment: PharmGKB Level of Evidence 2A: Variants in Level 2A clinical annotations are found in PharmGKB’s Tier 1 Very Important Pharmacogenes (VIPs). These variants are in known pharmacogenes, implying causation of drug phenotype is more likely. These clinical annotations describe variant-drug combinations with a moderate level of evidence supporting the association. For example, the association may be found in multiple cohorts, but there may be a minority of studies that do not support the majority assertion. Level 2A clinical annotations must be supported by at least two independent publications.

Drug is not necessarily used to treat response condition

Labcorp Genetics (formerly Invitae), Labcorp
Classification: Benign. Last evaluated: 2023-05-12. Review status: criteria provided, single submitter. Criteria: Invitae Variant Classification Sherloc (09022015). Collection method: clinical testing. Allele origin: germline. Not counted in ClinVar's aggregate classification.

PreventionGenetics, part of Exact Sciences
Classification: Likely benign for CYP4F2-related condition. Last evaluated: 2021-07-22. Review status: no assertion criteria provided. Collection method: clinical testing. Allele origin: germline. Not counted in ClinVar's aggregate classification.
Comment: This variant is classified as likely benign based on ACMG/AMP sequence variant interpretation guidelines (Richards et al. 2015 PMID: 25741868, with internal and published modifications).

Literature cited by the submitters: PubMed 18250228 (cited by ClinPGx); PubMed 19207028 (cited by ClinPGx); PubMed 19297519 (cited by ClinPGx); PubMed 19300499 (cited by ClinPGx); PubMed 19741565 (cited by ClinPGx); PubMed 19794411 (cited by ClinPGx); PubMed 20072124 (cited by ClinPGx); PubMed 20128861 (cited by ClinPGx); PubMed 20182420 (cited by ClinPGx); PubMed 20421126 (cited by ClinPGx); PubMed 20442691 (cited by ClinPGx); PubMed 20653676 (cited by ClinPGx); PubMed 20833655 (cited by ClinPGx); PubMed 21084764 (cited by ClinPGx); PubMed 21127708 (cited by ClinPGx); PubMed 21174619 (cited by ClinPGx); PubMed 21228733 (cited by ClinPGx); PubMed 21326313 (cited by ClinPGx); PubMed 21383771 (cited by ClinPGx); PubMed 21725053 (cited by ClinPGx); PubMed 22010099 (cited by ClinPGx); PubMed 22130800 (cited by ClinPGx); PubMed 22172097 (cited by ClinPGx); PubMed 22192158 (cited by ClinPGx); PubMed 22528326 (cited by ClinPGx); PubMed 22534826 (cited by ClinPGx); PubMed 22549502 (cited by ClinPGx); PubMed 22676192 (cited by ClinPGx); PubMed 22871975 (cited by ClinPGx); PubMed 23061746 (cited by ClinPGx); PubMed 23104259 (cited by ClinPGx); PubMed 23132553 (cited by ClinPGx); PubMed 23215885 (cited by ClinPGx); PubMed 23949431 (cited by ClinPGx); PubMed 23990957 (cited by ClinPGx); PubMed 24019055 (cited by ClinPGx); PubMed 24029542 (cited by ClinPGx); PubMed 24330000 (cited by ClinPGx); PubMed 24601977 (cited by ClinPGx); PubMed 25042728 (cited by ClinPGx); PubMed 25084205 (cited by ClinPGx); PubMed 25126975 (cited by ClinPGx); PubMed 25594941 (cited by ClinPGx); PubMed 26024874 (cited by ClinPGx); PubMed 26223945 (cited by ClinPGx); PubMed 26257249 (cited by ClinPGx); PubMed 26710337 (cited by ClinPGx); PubMed 26739746 (cited by ClinPGx); PubMed 26745506 (cited by ClinPGx); PubMed 26877068 (cited by ClinPGx); PubMed 27073641 (cited by ClinPGx); PubMed 27121899 (cited by ClinPGx); PubMed 27262824 (cited by ClinPGx); PubMed 27488389 (cited by ClinPGx); PubMed 27617219 (cited by ClinPGx); PubMed 27938396 (cited by ClinPGx); PubMed 28049362 (cited by ClinPGx); PubMed 28262345 (cited by ClinPGx); PubMed 28429387 (cited by ClinPGx); PubMed 28550460 (cited by ClinPGx); PubMed 28620303 (cited by ClinPGx); PubMed 28973620 (cited by ClinPGx); PubMed 29054760 (cited by ClinPGx); PubMed 29201113 (cited by ClinPGx); PubMed 29252193 (cited by ClinPGx); PubMed 29432897 (cited by ClinPGx); PubMed 29875668 (cited by ClinPGx); PubMed 30506689 (cited by ClinPGx); PubMed 30821933 (cited by ClinPGx); PubMed 19270263 (cited by ClinPGx); PubMed 19578179 (cited by ClinPGx); PubMed 22486182 (cited by ClinPGx); PubMed 22629463 (cited by ClinPGx); PubMed 22911785 (cited by ClinPGx); PubMed 23510058 (cited by ClinPGx); PubMed 24927344 (cited by ClinPGx); PubMed 24956252 (cited by ClinPGx); PubMed 25519826 (cited by ClinPGx); PubMed 29479633 (cited by ClinPGx).